The following is an entry in ClinVar:

ClinVar aggregate classification (germline): Uncertain significance (1 of 4 stars; one submission).

Conditions:
Charcot-Marie-Tooth disease axonal type 2Z. Also called: CHARCOT-MARIE-TOOTH DISEASE, AXONAL, AUTOSOMAL DOMINANT, TYPE 2Z; CHARCOT-MARIE-TOOTH NEUROPATHY, TYPE 2Z. Identifiers: Orphanet 466768, MedGen C5569025, MONDO:0014736, OMIM 616688.

Allele frequency attached by ClinVar (database versions not stated): gnomAD exomes 0.00001; TOPMed 0.00001.
gnomAD v4.1: 11 of 1,610,200 alleles (0.00068%); highest among the groups gnomAD compares: African/African-American, 0.0013%; no homozygotes.

Submission:

Labcorp Genetics (formerly Invitae), Labcorp
Classification: Uncertain significance for Charcot-Marie-Tooth disease axonal type 2Z. Last evaluated: 2024-09-14. Review status: criteria provided, single submitter. Criteria: Invitae Variant Classification Sherloc (09022015). Collection method: clinical testing. Allele origin: germline.
Comment: This sequence change replaces threonine, which is neutral and polar, with methionine, which is neutral and non-polar, at codon 133 of the MORC2 protein (p.Thr133Met). This variant is present in population databases (no rsID available, gnomAD 0.007%). This variant has not been reported in the literature in individuals affected with MORC2-related conditions. Invitae Evidence Modeling of protein sequence and biophysical properties (such as structural, functional, and spatial information, amino acid conservation, physicochemical variation, residue mobility, and thermodynamic stability) indicates that this missense variant is expected to disrupt MORC2 protein function with a positive predictive value of 95%. In summary, the available evidence is currently insufficient to determine the role of this variant in disease. Therefore, it has been classified as a Variant of Uncertain Significance.

NM_001303256.3(MORC2):c.398C>T (p.Thr133Met)

Gene: MORC2 (MORC family CW-type zinc finger 2; minus strand). Cytogenetic location: 22q12.2.
Variant type: single nucleotide variant.
Coding change: c.398C>T on transcript NM_001303256.3 (MANE Select); coding-DNA position 398, C replaced by T.
Protein change: p.Thr133Met; replaces threonine 133 with methionine.
Molecular consequence: missense variant.
Genome position (GRCh38, 1-based): chr22:30,946,369, G>A on the plus strand (C>T on the coding strand, the complement: MORC2 is on the minus strand). VCF-style: chr22-30946369-G-A. GRCh37 (hg19) VCF-style: chr22-31342356-G-A.
Other names: c.398C>T, p.Thr133Met (NM_001303257.2); c.212C>T, p.Thr71Met (NM_014941.3); short protein forms T71M, T133M.
Identifiers: ClinVar variation 2973164 (VCV002973164.3), dbSNP rs553943877, ClinGen allele CA323280781.
Genomic context (GRCh38, chr22:30,946,369, plus strand): 5'-CTGGTGATGCAGACCACGATGATGGGACCTACTTCATCAATGCCTTCTTCCTCATGAAAC[G>A]TGCGAGACAGGAAGAGGCAGGTCATGGTGTCTTCCTTCTTGGTGAACAGGATAAAATCCT-3'
Protein context (NP_001290185.1, residues 123-143): DTMTCLFLSR[Thr133Met]FHEEEGIDEV